The following is an entry in ClinVar:

NM_004329.3(BMPR1A):c.153A>G (p.Ala51=)

Gene: BMPR1A (bone morphogenetic protein receptor type 1A; plus strand). Cytogenetic location: 10q23.2.
Variant type: single nucleotide variant.
Coding change: c.153A>G on transcript NM_004329.3 (MANE Select); coding-DNA position 153, A replaced by G.
Protein change: p.Ala51=; no amino-acid change (alanine 51 retained).
Molecular consequence: synonymous variant. On other transcripts: non-coding transcript variant (3).
Genome position (GRCh38, 1-based): chr10:86,890,147, A>G. VCF-style: chr10-86890147-A-G. GRCh37 (hg19) VCF-style: chr10-88649904-A-G.
Other names: c.153A>G, p.Ala51= (NM_001406576.1, NM_001406577.1, NM_001406578.1 and 23 more transcripts); c.69A>G, p.Ala23= (NM_001406584.1, NM_001406585.1, NM_001406586.1 and 2 more transcripts).
Identifiers: ClinVar variation 2817772 (VCV002817772.5), dbSNP rs2539431710, ClinGen allele CA470304548.
Genomic context (GRCh38, chr10:86,890,147, plus strand): 5'-TGGCACTGGGATGAAATCAGACTCCGACCAGAAAAAGTCAGAAAATGGAGTAACCTTAGC[A>G]CCAGAGGATACCTTGCCTTTTTTAAAGTGCTATTGCTCAGGGCACTGTCCAGATGATGCT-3'
Protein context (NP_004320.2, residues 41-61): QKKSENGVTL[Ala51=]PEDTLPFLKC

ClinVar aggregate classification (germline): Benign/Likely benign. Review status: criteria provided, multiple submitters, no conflicts (2 of 4 stars). 3 submissions from 3 submitters: Benign (1); Likely benign (2). Last evaluated 2024-11-09.

Conditions:
Hereditary cancer-predisposing syndrome. Also called: Neoplastic Syndromes, Hereditary; Hereditary Cancer Syndrome; Hereditary neoplastic syndrome; Tumor predisposition. Identifiers: Orphanet 140162, MedGen C0027672, MeSH D009386, MONDO:0015356.
Juvenile polyposis syndrome (JPS). Identifiers: Orphanet 2929, MedGen C0345893, MONDO:0017380, OMIM 174900.

Submissions (3):

Ambry Genetics
Classification: Likely benign for Hereditary cancer-predisposing syndrome. Last evaluated: 2024-11-09. Review status: criteria provided, single submitter. Criteria: Ambry Variant Classification Scheme 2023. Collection method: clinical testing. Allele origin: germline.

Myriad Genetics, Inc.
Classification: Benign for Juvenile polyposis syndrome. Last evaluated: 2024-07-31. Review status: criteria provided, single submitter. Criteria: Myriad Autosomal Dominant, Autosomal Recessive and X-Linked Classification Criteria (2023). Collection method: clinical testing. Allele origin: unknown.
Comment: This variant is considered benign. This variant is a silent/synonymous amino acid change and it is not expected to impact splicing.

Labcorp Genetics (formerly Invitae), Labcorp
Classification: Likely benign for Juvenile polyposis syndrome. Last evaluated: 2022-12-01. Review status: criteria provided, single submitter. Criteria: Invitae Variant Classification Sherloc (09022015). Collection method: clinical testing. Allele origin: germline.